The following is an entry in ClinVar:

ClinVar aggregate classification (germline): Uncertain significance (1 of 4 stars; one submission).

Conditions:
Neuroblastoma, susceptibility to, 3. Also called: ALK-Related Neuroblastic Tumor Susceptibility. Identifiers: Orphanet 635, MedGen C2751681, MONDO:0013083, OMIM 613014.

Submission:

Labcorp Genetics (formerly Invitae), Labcorp
Classification: Uncertain significance for Neuroblastoma, susceptibility to, 3. Last evaluated: 2023-08-11. Review status: criteria provided, single submitter. Criteria: Invitae Variant Classification Sherloc (09022015). Collection method: clinical testing. Allele origin: germline.
Comment: This sequence change falls in intron 15 of the ALK gene. It does not directly change the encoded amino acid sequence of the ALK protein. In summary, the available evidence is currently insufficient to determine the role of this variant in disease. Therefore, it has been classified as a Variant of Uncertain Significance. Algorithms developed to predict the effect of sequence changes on RNA splicing suggest that this variant may disrupt the consensus splice site. This variant is not present in population databases (gnomAD no frequency). This variant has not been reported in the literature in individuals affected with ALK-related conditions.

NM_004304.5(ALK):c.2633-19T>A

Gene: ALK (ALK receptor tyrosine kinase; minus strand). Cytogenetic location: 2p23.2.
Variant type: single nucleotide variant.
Coding change: c.2633-19T>A on transcript NM_004304.5 (MANE Select); 19 bases into the intron before coding-DNA position 2633, T replaced by A.
Molecular consequence: intron variant.
Genome position (GRCh38, 1-based): chr2:29,229,085, A>T on the plus strand (T>A on the coding strand, the complement: ALK is on the minus strand). VCF-style: chr2-29229085-A-T. GRCh37 (hg19) VCF-style: chr2-29451951-A-T.
Identifiers: ClinVar variation 2740821 (VCV002740821.3), dbSNP rs2465978555, ClinGen allele CA2697547964.
Genomic context (GRCh38, chr2:29,229,085, plus strand): 5'-CCCAGAGCAAGGAAGTGTTATCATTCCAGCCACCTCCACCACCTGCGGGAAGAGATAGGG[A>T]ACCTGCGTGAGGATGCTGGCAAGGTTCAATTAGCCATGCTGGCCAGAGAAGCAGGATGCA-3'